The following is an entry in ClinVar:

ClinVar aggregate classification (germline): Pathogenic. Review status: criteria provided, multiple submitters, no conflicts (2 of 4 stars). 3 submissions from 3 submitters: Pathogenic (3). Last evaluated 2025-07-22.

Conditions:
Cerebrooculofacioskeletal syndrome 2 (COFS2). Identifiers: MedGen C1853102, MONDO:0012553, OMIM 610756.
ERCC2-related disorder. Also called: ERCC2-related disorders; ERCC2-related conditions; ERCC2-related condition. Identifiers: MedGen CN239291.

Allele frequency attached by ClinVar (database versions not stated): ExAC 0.00001; gnomAD 0.00001; TOPMed 0.00002; gnomAD exomes 0.00003.

Submissions (3):

Myriad Genetics, Inc.
Classification: Pathogenic for ERCC2-related disorder. Last evaluated: 2025-07-22. Review status: criteria provided, single submitter. Criteria: Myriad Autosomal Dominant, Autosomal Recessive and X-Linked Classification Criteria (2023). Collection method: clinical testing. Allele origin: unknown.
Comment: NM_000400.3(ERCC2):c.1827delC(F610Lfs*99) is a frameshift variant classified as pathogenic in the context of ERCC2-related disorders. F610Lfs*99 has been observed in a case with relevant disease (PMID: 11734544). Relevant functional assessments of this variant are not available in the literature. F610Lfs*99 has been observed in referenced population frequency databases. In summary, NM_000400.3(ERCC2):c.1827delC(F610Lfs*99) is a frameshift variant in a gene where loss of function is a known mechanism of disease, is predicted to disrupt protein function, and has been observed more frequently in cases with the relevant disease than in healthy populations. Please note: this variant was assessed in the context of healthy population screening.

Labcorp Genetics (formerly Invitae), Labcorp
Classification: Pathogenic. Last evaluated: 2024-04-10. Review status: criteria provided, single submitter. Criteria: Invitae Variant Classification Sherloc (09022015). Collection method: clinical testing. Allele origin: germline.
Comment: This sequence change creates a premature translational stop signal (p.Phe610Leufs*99) in the ERCC2 gene. It is expected to result in an absent or disrupted protein product. Loss-of-function variants in ERCC2 are known to be pathogenic (PMID: 9238033, 11335038, 19085937, 19934020). This variant is present in population databases (rs769426415, gnomAD 0.002%). This premature translational stop signal has been observed in individual(s) with ERCC2-related conditions (PMID: 11734544). For these reasons, this variant has been classified as Pathogenic.

Baylor Genetics
Classification: Pathogenic for Cerebrooculofacioskeletal syndrome 2. Last evaluated: 2024-03-26. Review status: criteria provided, single submitter. Criteria: ACMG Guidelines, 2015. Collection method: clinical testing. Allele origin: unknown.

Literature cited by the submitters: PubMed 11734544 (cited by Myriad Genetics, Inc. and Labcorp Genetics (formerly Invitae), Labcorp); PubMed 9238033 (cited by Labcorp Genetics (formerly Invitae), Labcorp); PubMed 11335038 (cited by Labcorp Genetics (formerly Invitae), Labcorp); PubMed 19085937 (cited by Labcorp Genetics (formerly Invitae), Labcorp); PubMed 19934020 (cited by Labcorp Genetics (formerly Invitae), Labcorp).

NM_000400.4(ERCC2):c.1827del (p.Phe610fs)

Gene: ERCC2 (ERCC excision repair 2, TFIIH core complex helicase subunit; minus strand). Cytogenetic location: 19q13.32.
Variant type: Deletion.
Coding change: c.1827del on transcript NM_000400.4 (MANE Select); coding-DNA position 1827, one base deleted (C; older notation c.1827delC).
Protein change: p.Phe610fs; shifts the reading frame from phenylalanine 610.
Molecular consequence: frameshift variant.
Genome position (GRCh38, 1-based): chr19:45,353,087, G deleted on the plus strand (C on the coding strand, the reverse complement: ERCC2 is on the minus strand). VCF-style (leftmost placement, unchanged base first): chr19-45353086-AG-A. GRCh37 (hg19) VCF-style: chr19-45856344-AG-A.
Other names: short protein forms F610fs.
Identifiers: ClinVar variation 2720662 (VCV002720662.5), dbSNP rs769426415, ClinGen allele CA9513064.